The following is an entry in ClinVar:

NM_001374828.1(ARID1B):c.2187C>T (p.Pro729=)

Gene: ARID1B (AT-rich interaction domain 1B; plus strand). Cytogenetic location: 6q25.3.
Variant type: single nucleotide variant.
Coding change: c.2187C>T on transcript NM_001374828.1 (MANE Select); coding-DNA position 2187, C replaced by T.
Protein change: p.Pro729=; no amino-acid change (proline 729 retained).
Molecular consequence: synonymous variant.
Genome position (GRCh38, 1-based): chr6:156,935,516, C>T. VCF-style: chr6-156935516-C-T. GRCh37 (hg19) VCF-style: chr6-157256650-C-T.
Other names: c.1977C>T, p.Pro659= (NM_020732.3); c.2226C>T, p.Pro742= (NM_001371656.1, NM_001374820.1); c.2187C>T, p.Pro729= (NM_017519.3).
Identifiers: ClinVar variation 210271 (VCV000210271.53), dbSNP rs146240413, ClinGen allele CA207877.

ClinVar aggregate classification (germline): Benign/Likely benign. Review status: criteria provided, multiple submitters, no conflicts (2 of 4 stars). 8 submissions from 8 submitters: Benign (5); Likely benign (2). 1 of the submissions does not count toward it. Last evaluated 2026-07-01.

Conditions:
ARID1B-Related Disorder. Identifiers: MedGen CN381337.
Inborn genetic diseases. Identifiers: MedGen C0950123, MeSH D030342.
Coffin-Siris syndrome 1 (CSS1). Also called: ARID1B-Related Coffin-Siris Syndrome; Mental retardation, autosomal dominant 12. Identifiers: Orphanet 1465, MedGen C3281201, MONDO:0007617, OMIM 135900. Disease mechanism: gain of function.

Allele frequency attached by ClinVar (database versions not stated): 1000 Genomes Project 0.00140; 1000 Genomes Project 30x 0.00156; ExAC 0.00234; gnomAD exomes 0.00251 and 0.00443; ESP Exome Variant Server 0.00277; TOPMed 0.00290; gnomAD 0.00298 and 0.00310.
gnomAD v4.1: 6,948 of 1,613,896 alleles (0.43%); highest among the groups gnomAD compares: Non-Finnish European, 0.53%; 21 homozygotes.

Submissions (8):

CeGaT Center for Human Genetics Tuebingen
Classification: Benign. Last evaluated: 2026-07-01. Review status: criteria provided, single submitter. Criteria: CeGaT Center For Human Genetics Tuebingen Variant Classification Criteria Version 2. Collection method: clinical testing. Allele origin: germline. Affected: yes. Observed: 36 variant alleles.
Comment: ARID1B: BP4, BP7, BS1, BS2

Labcorp Genetics (formerly Invitae), Labcorp
Classification: Benign. Last evaluated: 2026-01-26. Review status: criteria provided, single submitter. Criteria: Invitae Variant Classification Sherloc (09022015). Collection method: clinical testing. Allele origin: germline.

Blueprint Genetics
Classification: Likely benign. Last evaluated: 2024-11-06. Review status: criteria provided, single submitter. Criteria: ACMG Guidelines, 2015. Collection method: clinical testing. Allele origin: germline.

Genome-Nilou Lab
Classification: Benign for Coffin-Siris syndrome 1. Last evaluated: 2021-07-15. Review status: criteria provided, single submitter. Criteria: ACMG Guidelines, 2015. Collection method: clinical testing. Allele origin: germline. Affected: no.

GeneDx
Classification: Benign. Last evaluated: 2019-03-04. Review status: criteria provided, single submitter. Criteria: GeneDx Variant Classification Process June 2021. Collection method: clinical testing. Allele origin: germline. Affected: yes.
Comment: This variant is associated with the following publications: (PMID: 22405089)

Genetic Services Laboratory, University of Chicago
Classification: Benign. Last evaluated: 2017-01-03. Review status: criteria provided, single submitter. Criteria: ACMG Guidelines, 2015. Collection method: clinical testing. Allele origin: germline. Affected: no.

Ambry Genetics
Classification: Likely benign for Inborn genetic diseases. Last evaluated: 2016-06-22. Review status: criteria provided, single submitter. Criteria: Ambry Variant Classification Scheme 2023. Collection method: clinical testing. Allele origin: germline.

PreventionGenetics, part of Exact Sciences
Classification: Benign for ARID1B-related condition. Last evaluated: 2022-08-30. Review status: no assertion criteria provided. Collection method: clinical testing. Allele origin: germline. Not counted in ClinVar's aggregate classification.
Comment: This variant is classified as benign based on ACMG/AMP sequence variant interpretation guidelines (Richards et al. 2015 PMID: 25741868, with internal and published modifications).